The following is an entry in ClinVar:

ClinVar aggregate classification (germline): Uncertain significance (1 of 4 stars; one submission).

Conditions:
Epilepsy, familial adult myoclonic, 5 (EPEO5). Also called: CORTICAL MYOCLONIC TREMOR WITH EPILEPSY, FAMILIAL, 5. Identifiers: Orphanet 86814, MedGen C3809374, MONDO:0014167, OMIM 615400.

Allele frequency attached by ClinVar (database versions not stated): gnomAD 0.00001; TOPMed 0.00001; ExAC 0.00002; ESP Exome Variant Server 0.00008.

Submission:

Labcorp Genetics (formerly Invitae), Labcorp
Classification: Uncertain significance for Epilepsy, familial adult myoclonic, 5. Last evaluated: 2025-08-18. Review status: criteria provided, single submitter. Criteria: Invitae Variant Classification Sherloc (09022015). Collection method: clinical testing. Allele origin: germline.
Comment: This sequence change replaces serine, which is neutral and polar, with proline, which is neutral and non-polar, at codon 86 of the CNTN2 protein (p.Ser86Pro). The frequency data for this variant in the population databases is considered unreliable, as metrics indicate poor data quality at this position in the gnomAD database. This variant has not been reported in the literature in individuals affected with CNTN2-related conditions. ClinVar contains an entry for this variant (Variation ID: 966634). Invitae Evidence Modeling of protein sequence and biophysical properties (such as structural, functional, and spatial information, amino acid conservation, physicochemical variation, residue mobility, and thermodynamic stability) indicates that this missense variant is not expected to disrupt CNTN2 protein function with a negative predictive value of 95%. In summary, the available evidence is currently insufficient to determine the role of this variant in disease. Therefore, it has been classified as a Variant of Uncertain Significance.

NM_005076.5(CNTN2):c.256T>C (p.Ser86Pro)

Gene: CNTN2 (contactin 2; plus strand). Cytogenetic location: 1q32.1.
Variant type: single nucleotide variant.
Coding change: c.256T>C on transcript NM_005076.5 (MANE Select); coding-DNA position 256, T replaced by C.
Protein change: p.Ser86Pro; replaces serine 86 with proline.
Molecular consequence: missense variant. On other transcripts: non-coding transcript variant (1).
Genome position (GRCh38, 1-based): chr1:205,058,221, T>C. VCF-style: chr1-205058221-T-C. GRCh37 (hg19) VCF-style: chr1-205027349-T-C.
Other names: c.256T>C, p.Ser86Pro (NM_001346083.2); short protein forms S86P.
Identifiers: ClinVar variation 966634 (VCV000966634.8), dbSNP rs140567763, ClinGen allele CA1350985.